The following is an entry in ClinVar:

ClinVar aggregate classification (germline): Uncertain significance (1 of 4 stars; one submission).

Conditions:
Early-infantile DEE. Also called: Ohtahara syndrome; Early infantile epileptic encephalopathy with suppression bursts; Early infantile epileptic encephalopathy. Identifiers: Orphanet 1934, MedGen C0393706, MONDO:0800491.

Submission:

Labcorp Genetics (formerly Invitae), Labcorp
Classification: Uncertain significance for Early-infantile DEE. Last evaluated: 2023-11-11. Review status: criteria provided, single submitter. Criteria: Invitae Variant Classification Sherloc (09022015). Collection method: clinical testing. Allele origin: germline.
Comment: This sequence change replaces threonine, which is neutral and polar, with asparagine, which is neutral and polar, at codon 1082 of the SCN1A protein (p.Thr1082Asn). This variant is not present in population databases (gnomAD no frequency). This variant has not been reported in the literature in individuals affected with SCN1A-related conditions. Advanced modeling of protein sequence and biophysical properties (such as structural, functional, and spatial information, amino acid conservation, physicochemical variation, residue mobility, and thermodynamic stability) performed at Invitae indicates that this missense variant is not expected to disrupt SCN1A protein function with a negative predictive value of 95%. In summary, the available evidence is currently insufficient to determine the role of this variant in disease. Therefore, it has been classified as a Variant of Uncertain Significance.

NM_001165963.4(SCN1A):c.3245C>A (p.Thr1082Asn)

Genes: SCN1A (sodium voltage-gated channel alpha subunit 1; minus strand), LOC102724058 (uncharacterized LOC102724058; plus strand). Cytogenetic location: 2q24.3.
Variant type: single nucleotide variant.
Coding change: c.3245C>A on transcript NM_001165963.4 (MANE Select); coding-DNA position 3245, C replaced by A.
Protein change: p.Thr1082Asn; replaces threonine 1082 with asparagine.
Molecular consequence: missense variant. On other transcripts: non-coding transcript variant (2).
Genome position (GRCh38, 1-based): chr2:166,036,232, G>T on the plus strand (C>A on the coding strand, the complement: SCN1A is on the minus strand). VCF-style: chr2-166036232-G-T. GRCh37 (hg19) VCF-style: chr2-166892742-G-T.
Other names: c.3161C>A, p.Thr1054Asn (NM_001165964.3, NM_001353957.2, NM_001353958.2); c.3245C>A, p.Thr1082Asn (NM_001202435.3, NM_001353948.2); c.3212C>A, p.Thr1071Asn (NM_001353949.2, NM_001353950.2, NM_001353951.2 and 2 more transcripts); c.3209C>A, p.Thr1070Asn (NM_001353954.2, NM_001353955.2); c.3158C>A, p.Thr1053Asn (NM_001353960.2); c.803C>A, p.Thr268Asn (NM_001353961.2); short protein forms T1054N, T1082N, T268N, T1053N, T1070N, T1071N.
Identifiers: ClinVar variation 2695160 (VCV002695160.3), dbSNP rs2468077288, ClinGen allele CA349059484.